The following is an entry in ClinVar:

ClinVar aggregate classification (germline): Likely benign. Review status: criteria provided, multiple submitters, no conflicts (2 of 4 stars). 2 submissions from 2 submitters: Likely benign (2). Last evaluated 2026-04-03.

Conditions:
FHOD3-related disorder. Also called: FHOD3-related condition.

gnomAD v4.1: 66 of 1,603,412 alleles (0.0041%); highest among the groups gnomAD compares: South Asian, 0.015%; no homozygotes.

Submissions (2):

PreventionGenetics, part of Exact Sciences
Classification: Likely benign for FHOD3-related condition. Last evaluated: 2026-04-03. Review status: criteria provided, single submitter. Criteria: ACMG Guidelines, 2015. Collection method: clinical testing. Allele origin: germline.
Comment: This variant is classified as likely benign based on ACMG/AMP sequence variant interpretation guidelines (Richards et al. 2015 PMID: 25741868, with internal and published modifications).

Blueprint Genetics
Classification: Likely benign. Last evaluated: 2023-02-20. Review status: criteria provided, single submitter. Criteria: ACMG Guidelines, 2015. Collection method: clinical testing. Allele origin: germline.

NM_001281740.3(FHOD3):c.357C>T (p.Ser119=)

Gene: FHOD3 (formin homology 2 domain containing 3; plus strand). Cytogenetic location: 18q12.2.
Variant type: single nucleotide variant.
Coding change: c.357C>T on transcript NM_001281740.3 (MANE Select); coding-DNA position 357, C replaced by T.
Protein change: p.Ser119=; no amino-acid change (serine 119 retained).
Molecular consequence: synonymous variant.
Genome position (GRCh38, 1-based): chr18:36,501,951, C>T. VCF-style: chr18-36501951-C-T. GRCh37 (hg19) VCF-style: chr18-34081914-C-T.
Other names: c.357C>T (NM_001281740.2); c.357C>T, p.Ser119= (NM_001281739.3, NM_025135.5).
Identifiers: ClinVar variation 4938705 (VCV004938705.2).